The following is an entry in ClinVar:

ClinVar aggregate classification (germline): Uncertain significance (1 of 4 stars; one submission).

Submission:

GeneDx
Classification: Uncertain significance. Last evaluated: 2026-03-14. Review status: criteria provided, single submitter. Criteria: GeneDx Variant Classification Process June 2021. Collection method: clinical testing. Allele origin: germline.
Comment: Not observed at significant frequency in large population cohorts (gnomAD); Frameshift variant predicted to result in protein truncation or nonsense mediated decay in a gene or region of a gene for which loss of function is not a well-established mechanism of disease; Has not been previously published as pathogenic or benign to our knowledge

NM_001061.7(TBXAS1):c.1400dup (p.Thr468fs)

Gene: TBXAS1 (thromboxane A synthase 1; plus strand). Cytogenetic location: 7q34.
Variant type: Duplication.
Coding change: c.1400dup on transcript NM_001061.7 (MANE Select); coding-DNA position 1400, one base duplicated (T; older notation c.1400dupT).
Protein change: p.Thr468fs; shifts the reading frame from threonine 468.
Molecular consequence: frameshift variant. On other transcripts: intron variant (1).
Genome position (GRCh38, 1-based): chr7:140,017,706, T duplicated; the last of 2 consecutive T bases (chr7:140,017,705-140,017,706); duplicating either gives the same sequence. VCF-style (leftmost placement, unchanged base first): chr7-140017704-C-CT. GRCh37 (hg19) VCF-style: chr7-139717504-C-CT.
Other names: c.1400dup, p.Thr468fs (NM_001130966.5); c.1538dup, p.Thr514fs (NM_001166253.4); c.1199dup, p.Thr401fs (NM_001166254.4); c.1343dup, p.Thr449fs (NM_001314028.4); c.1217dup, p.Thr407fs (NM_001366537.3); c.1364+1846dup (NM_030984.6); short protein forms T468fs, T407fs, T401fs, T449fs, T514fs.
Identifiers: ClinVar variation 5009222 (VCV005009222.1).
Genomic context (GRCh38, chr7:140,017,704, plus strand): 5'-GCCAGCCCTGACCACACGGACCTGCAGGTTCACGGCTGAGGCCCGGCAGCAGCACCGGCC[C>CT]TTCACGTACCTGCCCTTCGGGGCCGGCCCACGGAGCTGCCTCGGGGTGCGTCTAGGGCTG-3'